The following is an entry in ClinVar:

ClinVar aggregate classification (germline): Benign. Review status: criteria provided, multiple submitters, no conflicts (2 of 4 stars). 3 submissions from 3 submitters: Benign (2). 1 of the submissions does not count toward it. Last evaluated 2026-02-03.

Conditions:
BRD4-related disorder. Also called: BRD4-related condition.

Allele frequency attached by ClinVar (database versions not stated): 1000 Genomes Project 0.00060; gnomAD exomes 0.00599 and 0.00355; ExAC 0.00997; 1000 Genomes Project 30x 0.00078; gnomAD 0.00360 and 0.00378; ESP Exome Variant Server 0.00364; TOPMed 0.00400.
gnomAD v4.1: 8,708 of 1,525,150 alleles (0.57%); highest among the groups gnomAD compares: Non-Finnish European, 0.71%; 41 homozygotes.

Submissions (3):

Labcorp Genetics (formerly Invitae), Labcorp
Classification: Benign. Last evaluated: 2026-02-03. Review status: criteria provided, single submitter. Criteria: Invitae Variant Classification Sherloc (09022015). Collection method: clinical testing. Allele origin: germline.

Breakthrough Genomics
Classification: Benign. Review status: criteria provided, single submitter. Criteria: ACMG Guidelines, 2015. Collection method: not provided. Allele origin: germline. Inheritance: Unknown mechanism. Affected: yes.

PreventionGenetics, part of Exact Sciences
Classification: Likely benign for BRD4-related condition. Last evaluated: 2019-04-12. Review status: no assertion criteria provided. Collection method: clinical testing. Allele origin: germline. Not counted in ClinVar's aggregate classification.
Comment: This variant is classified as likely benign based on ACMG/AMP sequence variant interpretation guidelines (Richards et al. 2015 PMID: 25741868, with internal and published modifications).

NM_001379291.1(BRD4):c.4020+9G>T

Gene: BRD4 (bromodomain containing 4; minus strand). Cytogenetic location: 19p13.12.
Variant type: single nucleotide variant.
Coding change: c.4020+9G>T on transcript NM_001379291.1 (MANE Select); 9 bases into the intron after coding-DNA position 4020, G replaced by T.
Molecular consequence: intron variant.
Genome position (GRCh38, 1-based): chr19:15,238,734, C>A on the plus strand (G>T on the coding strand, the complement: BRD4 is on the minus strand). VCF-style: chr19-15238734-C-A. GRCh37 (hg19) VCF-style: chr19-15349545-C-A.
Other names: c.4020+9G>T (NM_058243.3).
Identifiers: ClinVar variation 778171 (VCV000778171.12), dbSNP rs200578182, ClinGen allele CA9264466.
Genomic context (GRCh38, chr19:15,238,734, plus strand): 5'-GTCCCCCTTTCCCAGCTCCCTCAGGAGCTAATCCTTAGACCAGGGTCCCCACCAGGCCTC[C>A]AGACTCACGGCTTCCCGGCGTCTTCGCTCCTGCTCCCGCTTCCGGGCCAACTCCCTCTGC-3'